The following is an entry in ClinVar:

NM_000520.6(HEXA):c.412+5C>A

Gene: HEXA (hexosaminidase subunit alpha; minus strand). Cytogenetic location: 15q23.
Variant type: single nucleotide variant.
Coding change: c.412+5C>A on transcript NM_000520.6 (MANE Select); 5 bases into the intron after coding-DNA position 412, C replaced by A.
Molecular consequence: intron variant.
Genome position (GRCh38, 1-based): chr15:72,355,554, G>T on the plus strand (C>A on the coding strand, the complement: HEXA is on the minus strand). VCF-style: chr15-72355554-G-T. GRCh37 (hg19) VCF-style: chr15-72647895-G-T.
Other names: c.445+5C>A (NM_001318825.2).
Identifiers: ClinVar variation 1052795 (VCV001052795.6), dbSNP rs2088765141, ClinGen allele CA2186747520.

ClinVar aggregate classification (germline): Uncertain significance (1 of 4 stars; one submission).

Conditions:
Tay-Sachs disease (TSD). Also called: HEXA DEFICIENCY; HEXA Disorders; GM2 gangliosidosis, type 1; Hexosaminidase alpha-subunit deficiency (variant B); Sphingolipidosis, Tay-Sachs; Hexosaminidase A Deficiency. Identifiers: Orphanet 845, MedGen C0039373, MONDO:0010100, OMIM 272800.

Allele frequency attached by ClinVar (database versions not stated): gnomAD exomes below 0.00001.
gnomAD v4.1: 1 of 1,592,244 alleles (0.000063%); highest among the groups gnomAD compares: Admixed American, 0.0017%; no homozygotes.

Submission:

Labcorp Genetics (formerly Invitae), Labcorp
Classification: Uncertain significance for Tay-Sachs disease. Last evaluated: 2021-08-31. Review status: criteria provided, single submitter. Criteria: Invitae Variant Classification Sherloc (09022015). Collection method: clinical testing. Allele origin: germline.
Comment: This sequence change falls in intron 3 of the HEXA gene. It does not directly change the encoded amino acid sequence of the HEXA protein. It affects a nucleotide within the consensus splice site of the intron. This variant is not present in population databases (ExAC no frequency). This variant has not been reported in the literature in individuals affected with HEXA-related conditions. Variants that disrupt the consensus splice site are a relatively common cause of aberrant splicing (PMID: 17576681, 9536098). Algorithms developed to predict the effect of sequence changes on RNA splicing suggest that this variant is not likely to affect RNA splicing. In summary, the available evidence is currently insufficient to determine the role of this variant in disease. Therefore, it has been classified as a Variant of Uncertain Significance.

Literature cited by the submitters: PubMed 17576681; PubMed 9536098.